The following is an entry in ClinVar:

NM_018112.3(TMEM38B):c.290C>T (p.Pro97Leu)

Gene: TMEM38B (transmembrane protein 38B; plus strand). Cytogenetic location: 9q31.2.
Variant type: single nucleotide variant.
Coding change: c.290C>T on transcript NM_018112.3 (MANE Select); coding-DNA position 290, C replaced by T.
Protein change: p.Pro97Leu; replaces proline 97 with leucine.
Molecular consequence: missense variant.
Genome position (GRCh38, 1-based): chr9:105,721,557, C>T. VCF-style: chr9-105721557-C-T. GRCh37 (hg19) VCF-style: chr9-108483838-C-T.
Other names: short protein forms P97L.
Identifiers: ClinVar variation 2068647 (VCV002068647.1), dbSNP rs547699490, ClinGen allele CA5170838.

ClinVar aggregate classification (germline): Uncertain significance (1 of 4 stars; one submission).

Allele frequency attached by ClinVar (database versions not stated): ExAC 0.00003; gnomAD 0.00007; TOPMed 0.00007; 1000 Genomes Project 0.00020; 1000 Genomes Project 30x 0.00031.
gnomAD v4.1: 50 of 1,593,788 alleles (0.0031%); highest among the groups gnomAD compares: African/African-American, 0.027%; no homozygotes.

Submission:

Labcorp Genetics (formerly Invitae), Labcorp
Classification: Uncertain significance. Last evaluated: 2022-05-20. Review status: criteria provided, single submitter. Criteria: Invitae Variant Classification Sherloc (09022015). Collection method: clinical testing. Allele origin: germline.
Comment: This sequence change replaces proline, which is neutral and non-polar, with leucine, which is neutral and non-polar, at codon 97 of the TMEM38B protein (p.Pro97Leu). This variant is present in population databases (rs547699490, gnomAD 0.03%). This variant has not been reported in the literature in individuals affected with TMEM38B-related conditions. Algorithms developed to predict the effect of missense changes on protein structure and function (SIFT, PolyPhen-2, Align-GVGD) all suggest that this variant is likely to be disruptive. In summary, the available evidence is currently insufficient to determine the role of this variant in disease. Therefore, it has been classified as a Variant of Uncertain Significance.